The following is an entry in ClinVar:

NM_000210.4(ITGA6):c.998_999del (p.Ile333fs)

Genes: ITGA6 (integrin subunit alpha 6; plus strand), PDK1-AS1 (PDK1 and ITGA6 antisense RNA 1; minus strand). Cytogenetic location: 2q31.1.
Variant type: Microsatellite.
Coding change: c.998_999del on transcript NM_000210.4 (MANE Select); coding-DNA positions 998 to 999, 2 bases deleted (TA; older notation c.998_999delTA).
Protein change: p.Ile333fs; shifts the reading frame from isoleucine 333.
Molecular consequence: frameshift variant.
Genome position (GRCh38, 1-based): chr2:172,474,940-172,474,941, TA deleted; deleting any 2 consecutive bases within chr2:172,474,937-172,474,941 gives the same sequence; the c. name uses the placement nearest the transcript's 3' end. VCF-style (leftmost placement, unchanged base first): chr2-172474936-GAT-G. GRCh37 (hg19) VCF-style: chr2-173339664-GAT-G.
Other names: c.998_999del, p.Ile333fs (NM_001079818.3, NM_001365529.2, NM_001365530.2); c.641_642del, p.Ile214fs (NM_001316306.2); c.1115_1116del, p.Ile372fs (NM_001394928.1); short protein forms I333fs, I214fs, I372fs.
Identifiers: ClinVar variation 2719334 (VCV002719334.3), dbSNP rs2468316884, ClinGen allele CA2697551336.

ClinVar aggregate classification (germline): Pathogenic (1 of 4 stars; one submission).

Submission:

Labcorp Genetics (formerly Invitae), Labcorp
Classification: Pathogenic. Last evaluated: 2023-06-19. Review status: criteria provided, single submitter. Criteria: Invitae Variant Classification Sherloc (09022015). Collection method: clinical testing. Allele origin: germline.
Comment: This sequence change creates a premature translational stop signal (p.Ile333Serfs*9) in the ITGA6 gene. It is expected to result in an absent or disrupted protein product. Loss-of-function variants in ITGA6 are known to be pathogenic (PMID: 9158140, 9185503, 9804362, 27607025). This variant is not present in population databases (gnomAD no frequency). This variant has not been reported in the literature in individuals affected with ITGA6-related conditions. For these reasons, this variant has been classified as Pathogenic.

Literature cited by the submitters: PubMed 9158140; PubMed 9185503; PubMed 9804362; PubMed 27607025.